The following is an entry in ClinVar:

NM_033004.4(NLRP1):c.1058G>C (p.Arg353Thr)

Gene: NLRP1 (NLR family pyrin domain containing 1; minus strand). Cytogenetic location: 17p13.2.
Variant type: single nucleotide variant.
Coding change: c.1058G>C on transcript NM_033004.4 (MANE Select); coding-DNA position 1058, G replaced by C.
Protein change: p.Arg353Thr; replaces arginine 353 with threonine.
Molecular consequence: missense variant.
Genome position (GRCh38, 1-based): chr17:5,559,638, C>G on the plus strand (G>C on the coding strand, the complement: NLRP1 is on the minus strand). VCF-style: chr17-5559638-C-G. GRCh37 (hg19) VCF-style: chr17-5462958-C-G.
Other names: c.1058G>C, p.Arg353Thr (NM_001033053.3, NM_014922.5, NM_033006.4 and 1 more transcripts); short protein forms R353T.
Identifiers: ClinVar variation 2820789 (VCV002820789.3), dbSNP rs2507941278, ClinGen allele CA397387127.

ClinVar aggregate classification (germline): Uncertain significance (1 of 4 stars; one submission).

Allele frequency attached by ClinVar (database versions not stated): gnomAD exomes below 0.00001.
gnomAD v4.1: 1 of 1,614,252 alleles (0.000062%); no homozygotes.

Submission:

Labcorp Genetics (formerly Invitae), Labcorp
Classification: Uncertain significance. Last evaluated: 2023-03-16. Review status: criteria provided, single submitter. Criteria: Invitae Variant Classification Sherloc (09022015). Collection method: clinical testing. Allele origin: germline.
Comment: This sequence change replaces arginine, which is basic and polar, with threonine, which is neutral and polar, at codon 353 of the NLRP1 protein (p.Arg353Thr). This variant is not present in population databases (gnomAD no frequency). This variant has not been reported in the literature in individuals affected with NLRP1-related conditions. An algorithm developed to predict the effect of missense changes on protein structure and function (PolyPhen-2) suggests that this variant is likely to be disruptive. In summary, the available evidence is currently insufficient to determine the role of this variant in disease. Therefore, it has been classified as a Variant of Uncertain Significance.